The following is an entry in ClinVar:

ClinVar aggregate classification (germline): Uncertain significance. Review status: criteria provided, multiple submitters, no conflicts (2 of 4 stars). 2 submissions from 2 submitters: Uncertain significance (2). Last evaluated 2022-03-14.

Conditions:
Cardiovascular phenotype. Identifiers: MedGen CN230736.
Dilated cardiomyopathy 1JJ (CMD1JJ). Identifiers: Orphanet 154, MedGen C3808935, MONDO:0014095, OMIM 615235.

Submissions (2):

Labcorp Genetics (formerly Invitae), Labcorp
Classification: Uncertain significance for Dilated cardiomyopathy 1JJ. Last evaluated: 2022-03-14. Review status: criteria provided, single submitter. Criteria: Invitae Variant Classification Sherloc (09022015). Collection method: clinical testing. Allele origin: germline.
Comment: This sequence change replaces alanine, which is neutral and non-polar, with threonine, which is neutral and polar, at codon 235 of the LAMA4 protein (p.Ala235Thr). In summary, the available evidence is currently insufficient to determine the role of this variant in disease. Therefore, it has been classified as a Variant of Uncertain Significance. Algorithms developed to predict the effect of missense changes on protein structure and function are either unavailable or do not agree on the potential impact of this missense change (SIFT: "Deleterious"; PolyPhen-2: "Probably Damaging"; Align-GVGD: "Class C0"). This variant has not been reported in the literature in individuals affected with LAMA4-related conditions. This variant is not present in population databases (gnomAD no frequency).

Ambry Genetics
Classification: Uncertain significance for Cardiovascular phenotype. Last evaluated: 2021-09-14. Review status: criteria provided, single submitter. Criteria: Ambry Variant Classification Scheme 2023. Collection method: clinical testing. Allele origin: germline.

NM_001105206.3(LAMA4):c.703G>A (p.Ala235Thr)

Gene: LAMA4 (laminin subunit alpha 4; minus strand). Cytogenetic location: 6q21.
Variant type: single nucleotide variant.
Coding change: c.703G>A on transcript NM_001105206.3 (MANE Select); coding-DNA position 703, G replaced by A.
Protein change: p.Ala235Thr; replaces alanine 235 with threonine.
Molecular consequence: missense variant.
Genome position (GRCh38, 1-based): chr6:112,191,651, C>T on the plus strand (G>A on the coding strand, the complement: LAMA4 is on the minus strand). VCF-style: chr6-112191651-C-T. GRCh37 (hg19) VCF-style: chr6-112512853-C-T.
Other names: c.703G>A, p.Ala235Thr (NM_001105207.3, NM_002290.5); short protein forms A235T.
Identifiers: ClinVar variation 1959033 (VCV001959033.6), dbSNP rs979154446, ClinGen allele CA144885321.